The following is an entry in ClinVar:

NM_001382391.1(CSPP1):c.1703C>A (p.Thr568Lys)

Gene: CSPP1 (centrosome and spindle pole associated protein 1; plus strand). Cytogenetic location: 8q13.2.
Variant type: single nucleotide variant.
Coding change: c.1703C>A on transcript NM_001382391.1 (MANE Select); coding-DNA position 1703, C replaced by A.
Protein change: p.Thr568Lys; replaces threonine 568 with lysine.
Molecular consequence: missense variant.
Genome position (GRCh38, 1-based): chr8:67,131,956, C>A. VCF-style: chr8-67131956-C-A. GRCh37 (hg19) VCF-style: chr8-68044191-C-A.
Other names: c.806C>A, p.Thr269Lys (NM_001291339.2); c.1622C>A, p.Thr541Lys (NM_001363131.2); c.1661C>A, p.Thr554Lys (NM_001363132.2); c.1580C>A, p.Thr527Lys (NM_001363133.2); c.1769C>A, p.Thr590Lys (NM_001364869.1); c.1589C>A, p.Thr530Lys (NM_001364870.1); c.1688C>A, p.Thr563Lys (NM_024790.7); short protein forms T541K, T269K, T554K, T527K, T530K, T568K, T590K, T563K.
Identifiers: ClinVar variation 1432257 (VCV001432257.6), dbSNP rs375847469, ClinGen allele CA371203430.
Genomic context (GRCh38, chr8:67,131,956, plus strand): 5'-TTCTTCTTGCTTTGTCGTCAATGGATTTAAATTATTTATTGTGTATTTGATGTAGGAATA[C>A]GGTTGGACAGAATGAACTGAAGATTACAAGTGATCAAGTGATAAATTCAGGATTGATTTT-3'
Protein context (NP_001369320.1, residues 558-578): THQLAQPVVN[Thr568Lys]VGQNELKITS

ClinVar aggregate classification (germline): Uncertain significance (1 of 4 stars; one submission).

Conditions:
Joubert syndrome 21 (JBTS21). Identifiers: MedGen C3810212, MONDO:0014288, OMIM 615636.

Submission:

Labcorp Genetics (formerly Invitae), Labcorp
Classification: Uncertain significance for Joubert syndrome 21. Last evaluated: 2022-08-31. Review status: criteria provided, single submitter. Criteria: Invitae Variant Classification Sherloc (09022015). Collection method: clinical testing. Allele origin: germline.
Comment: In summary, the available evidence is currently insufficient to determine the role of this variant in disease. Therefore, it has been classified as a Variant of Uncertain Significance. Algorithms developed to predict the effect of missense changes on protein structure and function output the following: SIFT: "Tolerated"; PolyPhen-2: "Benign"; Align-GVGD: "Class C0". The lysine amino acid residue is found in multiple mammalian species, which suggests that this missense change does not adversely affect protein function. ClinVar contains an entry for this variant (Variation ID: 1432257). This variant has not been reported in the literature in individuals affected with CSPP1-related conditions. This variant is not present in population databases (gnomAD no frequency). This sequence change replaces threonine, which is neutral and polar, with lysine, which is basic and polar, at codon 563 of the CSPP1 protein (p.Thr563Lys).